The following is an entry in ClinVar:

ClinVar aggregate classification (germline): Conflicting classifications of pathogenicity. Review status: criteria provided, conflicting classifications (1 of 4 stars). 2 submissions from 2 submitters: Uncertain significance (1); Likely benign (1). Last evaluated 2022-08-24.

Conditions:
Primary ciliary dyskinesia 32. Also called: CILIARY DYSKINESIA, PRIMARY, 32, WITHOUT SITUS INVERSUS. Identifiers: Orphanet 244, MedGen C4225311, MONDO:0014657, OMIM 616481.

Allele frequency attached by ClinVar (database versions not stated): gnomAD exomes 0.00003 and 0.00014; ExAC 0.00021; gnomAD 0.00026 and 0.00028; TOPMed 0.00039; 1000 Genomes Project 0.00060; 1000 Genomes Project 30x 0.00062; ESP Exome Variant Server 0.00085.
gnomAD v4.1: 88 of 1,614,130 alleles (0.0055%); highest among the groups gnomAD compares: African/African-American, 0.097%; no homozygotes.

Submissions (2):

Blueprint Genetics
Classification: Likely benign. Last evaluated: 2022-08-24. Review status: criteria provided, single submitter. Criteria: ACMG Guidelines, 2015. Collection method: clinical testing. Allele origin: germline.

Labcorp Genetics (formerly Invitae), Labcorp
Classification: Uncertain significance for Primary ciliary dyskinesia 32. Last evaluated: 2022-03-08. Review status: criteria provided, single submitter. Criteria: Invitae Variant Classification Sherloc (09022015). Collection method: clinical testing. Allele origin: germline.
Comment: This sequence change replaces arginine, which is basic and polar, with glutamine, which is neutral and polar, at codon 511 of the RSPH3 protein (p.Arg511Gln). This variant is present in population databases (rs150432556, gnomAD 0.1%). This variant has not been reported in the literature in individuals affected with RSPH3-related conditions. Algorithms developed to predict the effect of missense changes on protein structure and function output the following: SIFT: "Tolerated"; PolyPhen-2: "Benign"; Align-GVGD: "Class C0". The glutamine amino acid residue is found in multiple mammalian species, which suggests that this missense change does not adversely affect protein function. In summary, the available evidence is currently insufficient to determine the role of this variant in disease. Therefore, it has been classified as a Variant of Uncertain Significance.

NM_031924.8(RSPH3):c.1106G>A (p.Arg369Gln)

Gene: RSPH3 (radial spoke head 3; minus strand). Cytogenetic location: 6q25.3.
Variant type: single nucleotide variant.
Coding change: c.1106G>A on transcript NM_031924.8 (MANE Select); coding-DNA position 1106, G replaced by A.
Protein change: p.Arg369Gln; replaces arginine 369 with glutamine.
Molecular consequence: missense variant. On other transcripts: non-coding transcript variant (1).
Genome position (GRCh38, 1-based): chr6:158,977,689, C>T on the plus strand (G>A on the coding strand, the complement: RSPH3 is on the minus strand). VCF-style: chr6-158977689-C-T. GRCh37 (hg19) VCF-style: chr6-159398721-C-T.
Other names: c.1244G>A, p.Arg415Gln (NM_001346418.1); short protein forms R415Q, R369Q.
Identifiers: ClinVar variation 1355825 (VCV001355825.6), dbSNP rs150432556, ClinGen allele CA4075715.